The following is an entry in ClinVar:

ClinVar aggregate classification (germline): Uncertain significance (1 of 4 stars; one submission).

Conditions:
Long QT syndrome (LQTS). Identifiers: MedGen C0023976, MeSH D008133, MONDO:0002442. Disease mechanism: loss of function. Inheritance: Various modes of inheritance.

Allele frequency attached by ClinVar (database versions not stated): gnomAD exomes below 0.00001; gnomAD 0.00001; TOPMed 0.00001.
gnomAD v4.1: 2 of 1,614,142 alleles (0.00012%); highest among the groups gnomAD compares: Non-Finnish European, 0.00017%; no homozygotes.

Submission:

Labcorp Genetics (formerly Invitae), Labcorp
Classification: Uncertain significance for Long QT syndrome. Last evaluated: 2022-03-28. Review status: criteria provided, single submitter. Criteria: Invitae Variant Classification Sherloc (09022015). Collection method: clinical testing. Allele origin: germline.
Comment: In summary, the available evidence is currently insufficient to determine the role of this variant in disease. Therefore, it has been classified as a Variant of Uncertain Significance. Algorithms developed to predict the effect of missense changes on protein structure and function output the following: SIFT: "Tolerated"; PolyPhen-2: "Benign"; Align-GVGD: "Class C0". The methionine amino acid residue is found in multiple mammalian species, which suggests that this missense change does not adversely affect protein function. This variant has not been reported in the literature in individuals affected with AKAP9-related conditions. This variant is not present in population databases (gnomAD no frequency). This sequence change replaces isoleucine, which is neutral and non-polar, with methionine, which is neutral and non-polar, at codon 3277 of the AKAP9 protein (p.Ile3277Met).

NM_005751.5(AKAP9):c.9831A>G (p.Ile3277Met)

Gene: AKAP9 (A-kinase anchoring protein 9; plus strand). Cytogenetic location: 7q21.2.
Variant type: single nucleotide variant.
Coding change: c.9831A>G on transcript NM_005751.5 (MANE Select); coding-DNA position 9831, A replaced by G.
Protein change: p.Ile3277Met; replaces isoleucine 3277 with methionine.
Molecular consequence: missense variant.
Genome position (GRCh38, 1-based): chr7:92,096,790, A>G. VCF-style: chr7-92096790-A-G. GRCh37 (hg19) VCF-style: chr7-91726104-A-G.
Other names: c.4476A>G, p.Ile1492Met (NM_001379277.1); c.9807A>G, p.Ile3269Met (NM_147185.3); short protein forms I3277M, I3269M, I1492M.
Identifiers: ClinVar variation 1917299 (VCV001917299.5), dbSNP rs1265831908, ClinGen allele CA368151601.